The following is an entry in ClinVar:

NM_194277.3(FRMD7):c.709C>T (p.His237Tyr)

Gene: FRMD7 (FERM domain containing 7; minus strand). Cytogenetic location: Xq26.2.
Variant type: single nucleotide variant.
Coding change: c.709C>T on transcript NM_194277.3 (MANE Select); coding-DNA position 709, C replaced by T.
Protein change: p.His237Tyr; replaces histidine 237 with tyrosine.
Molecular consequence: missense variant.
Genome position (GRCh38, 1-based): chrX:132,084,522, G>A on the plus strand (C>T on the coding strand, the complement: FRMD7 is on the minus strand). VCF-style: chrX-132084522-G-A. GRCh37 (hg19) VCF-style: chrX-131218550-G-A.
Other names: c.664C>T, p.His222Tyr (NM_001306193.2); short protein forms H222Y, H237Y.
Identifiers: ClinVar variation 1997420 (VCV001997420.4), dbSNP rs2520745959, ClinGen allele CA414680771.

ClinVar aggregate classification (germline): Uncertain significance (1 of 4 stars; one submission).

Submission:

Labcorp Genetics (formerly Invitae), Labcorp
Classification: Uncertain significance. Last evaluated: 2022-07-30. Review status: criteria provided, single submitter. Criteria: Invitae Variant Classification Sherloc (09022015). Collection method: clinical testing. Allele origin: germline.
Comment: In summary, the available evidence is currently insufficient to determine the role of this variant in disease. Therefore, it has been classified as a Variant of Uncertain Significance. Algorithms developed to predict the effect of missense changes on protein structure and function are either unavailable or do not agree on the potential impact of this missense change (SIFT: "Tolerated"; PolyPhen-2: "Probably Damaging"; Align-GVGD: "Class C0"). This variant has not been reported in the literature in individuals affected with FRMD7-related conditions. This variant is not present in population databases (gnomAD no frequency). This sequence change replaces histidine, which is basic and polar, with tyrosine, which is neutral and polar, at codon 237 of the FRMD7 protein (p.His237Tyr).